The following is an entry in ClinVar:

ClinVar aggregate classification (germline): Benign (1 of 4 stars; one submission).

Conditions:
DICER1-related tumor predisposition. Also called: DICER1-related pleuropulmonary blastoma cancer predisposition syndrome; DICER1 syndrome. Identifiers: Orphanet 284343, MedGen C3839822, MONDO:0100216.

Allele frequency attached by ClinVar (database versions not stated): gnomAD exomes 0.00310; gnomAD 0.01476 and 0.01586; TOPMed 0.01719; 1000 Genomes Project 0.01797.
gnomAD v4.1: 2,515 of 232,856 alleles (1.1%); highest among the groups gnomAD compares: African/African-American, 5%; 52 homozygotes.

Submission:

Illumina Laboratory Services, Illumina
Classification: Benign for Pleuropulmonary blastoma. Last evaluated: 2018-01-13. Review status: criteria provided, single submitter. Criteria: ICSL Variant Classification Criteria 13 December 2019. Collection method: clinical testing. Allele origin: germline.
Comment: This variant was observed in the ICSL laboratory as part of a predisposition screen in an ostensibly healthy population. It had not been previously curated by ICSL or reported in the Human Gene Mutation Database (HGMD: prior to June 1st, 2018), and was therefore a candidate for classification through an automated scoring system. Utilizing variant allele frequency, disease prevalence and penetrance estimates, and inheritance mode, an automated score was calculated to assess if this variant is too frequent to cause the disease. Based on the score and internal cut-off values, a variant classified as benign is not then subjected to further curation. The score for this variant resulted in a classification of benign for this disease.

NM_177438.3(DICER1):c.*2380T>C

Gene: DICER1 (dicer 1, ribonuclease III; minus strand). Cytogenetic location: 14q32.13.
Variant type: single nucleotide variant.
Coding change: c.*2380T>C on transcript NM_177438.3 (MANE Select); 2380 bases downstream of the stop codon, T replaced by C.
Molecular consequence: 3 prime UTR variant.
Genome position (GRCh38, 1-based): chr14:95,088,118, A>G on the plus strand (T>C on the coding strand, the complement: DICER1 is on the minus strand). VCF-style: chr14-95088118-A-G. GRCh37 (hg19) VCF-style: chr14-95554455-A-G.
Other names: c.*2496T>C (NM_001195573.1); c.*2380T>C (NM_001271282.3, NM_001291628.2, NM_030621.4).
Identifiers: ClinVar variation 315066 (VCV000315066.6), dbSNP rs188106426, ClinGen allele CA10645440.